The following is an entry in ClinVar:

NM_001367624.2(ZNF469):c.3515G>T (p.Arg1172Leu)

Gene: ZNF469 (zinc finger protein 469; plus strand). Cytogenetic location: 16q24.2.
Variant type: single nucleotide variant.
Coding change: c.3515G>T on transcript NM_001367624.2 (MANE Select); coding-DNA position 3515, G replaced by T.
Protein change: p.Arg1172Leu; replaces arginine 1172 with leucine.
Molecular consequence: missense variant.
Genome position (GRCh38, 1-based): chr16:88,430,985, G>T. VCF-style: chr16-88430985-G-T. GRCh37 (hg19) VCF-style: chr16-88497393-G-T.
Other names: NM_001127464.1:c.3431G>T; short protein forms R1172L.
Identifiers: ClinVar variation 4867008 (VCV004867008.1).

ClinVar aggregate classification (germline): Uncertain significance (1 of 4 stars; one submission).

Conditions:
Cardiovascular phenotype. Identifiers: MedGen CN230736.

Submission:

Ambry Genetics
Classification: Uncertain significance for Cardiovascular phenotype. Last evaluated: 2026-05-03. Review status: criteria provided, single submitter. Criteria: Ambry Variant Classification Scheme 2023. Collection method: clinical testing. Allele origin: germline.
Comment: The p.R1144L variant (also known as c.3431G>T), located in coding exon 2 of the ZNF469 gene, results from a G to T substitution at nucleotide position 3431. The arginine at codon 1144 is replaced by leucine, an amino acid with dissimilar properties. This amino acid position is conserved. In addition, this alteration is predicted to be tolerated by in silico analysis. Based on the available evidence, the clinical significance of this variant remains unclear.